The following is an entry in ClinVar:

ClinVar aggregate classification (germline): Likely pathogenic (1 of 4 stars; one submission).

Conditions:
Autosomal recessive nonsyndromic hearing loss 77. Identifiers: Orphanet 90636, MedGen C2746083, MONDO:0013119, OMIM 613079.

Submission:

Natera, Inc.
Classification: Likely pathogenic for Autosomal recessive deafness type 77. Last evaluated: 2024-06-18. Review status: criteria provided, single submitter. Criteria: Natera Variant Classification Schema (03/2026). Collection method: clinical testing. Allele origin: germline.
Comment: The c.4860C>G variant in LOXHD1 is a nonsense variant predicted to introduce a stop codon at amino acid 1620. This variant is expected to result in nonsense mediated decay, truncation, or a dysfunctional protein product. This variant is rare in the general population with a frequency below the threshold expected for the associated phenotype(s). Given the available evidence, this variant is classified as Likely Pathogenic.

NM_001384474.1(LOXHD1):c.4860C>G (p.Tyr1620Ter)

Gene: LOXHD1 (lipoxygenase homology PLAT domains 1; minus strand). Cytogenetic location: 18q21.1.
Variant type: single nucleotide variant.
Coding change: c.4860C>G on transcript NM_001384474.1 (MANE Select); coding-DNA position 4860, C replaced by G.
Protein change: p.Tyr1620Ter; replaces tyrosine 1620 with a stop codon.
Molecular consequence: nonsense.
Genome position (GRCh38, 1-based): chr18:46,524,482, G>C on the plus strand (C>G on the coding strand, the complement: LOXHD1 is on the minus strand). VCF-style: chr18-46524482-G-C. GRCh37 (hg19) VCF-style: chr18-44104445-G-C.
Other names: c.1527C>G, p.Tyr509Ter (NM_001145472.3); c.1239C>G, p.Tyr413Ter (NM_001308013.2); c.4860C>G, p.Tyr1620Ter (NM_144612.7); short protein forms Y1620*, Y413*, Y509*.
Identifiers: ClinVar variation 4816832 (VCV004816832.1).